The following is an entry in ClinVar:

NM_000091.5(COL4A3):c.2167C>T (p.Pro723Ser)

Genes: COL4A3 (collagen type IV alpha 3 chain; plus strand), MFF-DT (MFF divergent transcript; minus strand). Cytogenetic location: 2q36.3.
Variant type: single nucleotide variant.
Coding change: c.2167C>T on transcript NM_000091.5 (MANE Select); coding-DNA position 2167, C replaced by T.
Protein change: p.Pro723Ser; replaces proline 723 with serine.
Molecular consequence: missense variant.
Genome position (GRCh38, 1-based): chr2:227,279,834, C>T. VCF-style: chr2-227279834-C-T. GRCh37 (hg19) VCF-style: chr2-228144550-C-T.
Other names: short protein forms P723S.
Identifiers: ClinVar variation 3586047 (VCV003586047.5).

ClinVar aggregate classification (germline): Uncertain significance. Review status: criteria provided, multiple submitters, no conflicts (2 of 4 stars). 4 submissions from 4 submitters: Uncertain significance (4). Last evaluated 2026-01-19.

Conditions:
Hematuria, benign familial, 2 (BFH2). Identifiers: MedGen C5830421, MONDO:0958186, OMIM 620320.
Alport syndrome 3b, autosomal recessive. Identifiers: MedGen C5882699, MONDO:0957811, OMIM 620536.
Autosomal dominant Alport syndrome (ATS3A). Also called: ALPORT SYNDROME 3A, AUTOSOMAL DOMINANT; Alport syndrome dominant type; Renal failure and sensorineural hearing loss. Identifiers: Orphanet 63, Orphanet 88918, MedGen C5882663, MONDO:0007086, OMIM 104200.
COL4A3-related disorder. Also called: COL4A3-related condition; COL4A3-Related Disorders.

gnomAD v4.1: 36 of 1,610,546 alleles (0.0022%); highest among the groups gnomAD compares: Admixed American, 0.005%; no homozygotes.

Submissions (4):

PreventionGenetics, part of Exact Sciences
Classification: Uncertain significance for COL4A3-related condition. Last evaluated: 2026-01-19. Review status: criteria provided, single submitter. Criteria: ACMG Guidelines, 2015. Collection method: clinical testing. Allele origin: germline.
Comment: The COL4A3 c.2167C>T variant is predicted to result in the amino acid substitution p.Pro723Ser. To our knowledge, this variant has not been reported in the literature. This variant is reported in 0.0064% of alleles in individuals of European (Non-Finnish) descent in gnomAD. At this time, the clinical significance of this variant is uncertain due to the absence of conclusive functional and genetic evidence.

GeneDx
Classification: Uncertain significance. Last evaluated: 2025-06-09. Review status: criteria provided, single submitter. Criteria: GeneDx Variant Classification Process June 2021. Collection method: clinical testing. Allele origin: germline. Affected: yes.
Comment: In silico analysis supports that this missense variant has a deleterious effect on protein structure/function; Occurs in the triple helical domain at the Y position in the canonical Gly-X-Y repeat; although this variant may have an effect on normal protein folding and function, missense substitution at the Y position is not a common mechanism of disease; Has not been previously published as pathogenic or benign to our knowledge

Labcorp Genetics (formerly Invitae), Labcorp
Classification: Uncertain significance. Last evaluated: 2024-07-25. Review status: criteria provided, single submitter. Criteria: Invitae Variant Classification Sherloc (09022015). Collection method: clinical testing. Allele origin: germline.
Comment: This sequence change replaces proline, which is neutral and non-polar, with serine, which is neutral and polar, at codon 723 of the COL4A3 protein (p.Pro723Ser). This variant is present in population databases (rs780690343, gnomAD 0.006%). This variant has not been reported in the literature in individuals affected with COL4A3-related conditions. Advanced modeling of protein sequence and biophysical properties (such as structural, functional, and spatial information, amino acid conservation, physicochemical variation, residue mobility, and thermodynamic stability) has been performed at Invitae for this missense variant, however the output from this modeling did not meet the statistical confidence thresholds required to predict the impact of this variant on COL4A3 protein function. In summary, the available evidence is currently insufficient to determine the role of this variant in disease. Therefore, it has been classified as a Variant of Uncertain Significance.

Fulgent Genetics
Classification: Uncertain significance for Autosomal dominant Alport syndrome; Hematuria, benign familial, 2; Alport syndrome 3b, autosomal recessive. Last evaluated: 2024-02-06. Review status: criteria provided, single submitter. Criteria: ACMG Guidelines, 2015. Collection method: clinical testing. Allele origin: germline.